The following is an entry in ClinVar:

ClinVar aggregate classification (germline): Likely benign. Review status: criteria provided, multiple submitters, no conflicts (2 of 4 stars). 5 submissions from 5 submitters: Likely benign (5). Last evaluated 2026-05-19.

Conditions:
NEXN-related disorder. Also called: NEXN-related condition; NEXN-related disorders.
Hypertrophic cardiomyopathy 20. Identifiers: MedGen C3151267, MONDO:0013477, OMIM 613876.
Dilated cardiomyopathy 1CC (CMD1CC). Identifiers: Orphanet 154, MedGen C2751084, MONDO:0013147, OMIM 613122.

Allele frequency attached by ClinVar (database versions not stated): gnomAD exomes 0.00001 and 0.00002; ExAC 0.00003; gnomAD 0.00007; TOPMed 0.00020; 1000 Genomes Project 0.00040; 1000 Genomes Project 30x 0.00062.
gnomAD v4.1: 29 of 1,567,558 alleles (0.0019%); highest among the groups gnomAD compares: Admixed American, 0.025%; 1 homozygote.

Submissions (5):

PreventionGenetics, part of Exact Sciences
Classification: Likely benign for NEXN-related condition. Last evaluated: 2026-05-19. Review status: criteria provided, single submitter. Criteria: ACMG Guidelines, 2015. Collection method: clinical testing. Allele origin: germline.
Comment: This variant is classified as likely benign based on ACMG/AMP sequence variant interpretation guidelines (Richards et al. 2015 PMID: 25741868, with internal and published modifications).

Labcorp Genetics (formerly Invitae), Labcorp
Classification: Likely benign for Dilated cardiomyopathy 1CC; Hypertrophic cardiomyopathy 20. Last evaluated: 2026-01-14. Review status: criteria provided, single submitter. Criteria: Invitae Variant Classification Sherloc (09022015). Collection method: clinical testing. Allele origin: germline.

Women's Health and Genetics/Laboratory Corporation of America, LabCorp
Classification: Likely benign. Last evaluated: 2025-09-08. Review status: criteria provided, single submitter. Criteria: LabCorp Variant Classification Summary - May 2015. Collection method: clinical testing. Allele origin: germline.

Blueprint Genetics
Classification: Likely benign. Last evaluated: 2024-07-23. Review status: criteria provided, single submitter. Criteria: ACMG Guidelines, 2015. Collection method: clinical testing. Allele origin: germline.

GeneDx
Classification: Likely benign. Last evaluated: 2019-01-10. Review status: criteria provided, single submitter. Criteria: GeneDx Variant Classification Process June 2021. Collection method: clinical testing. Allele origin: germline. Affected: yes.

NM_144573.4(NEXN):c.865-9T>C

Gene: NEXN (nexilin F-actin binding protein; plus strand). Cytogenetic location: 1p31.1.
Variant type: single nucleotide variant.
Coding change: c.865-9T>C on transcript NM_144573.4 (MANE Select); 9 bases into the intron before coding-DNA position 865, T replaced by C.
Molecular consequence: intron variant.
Genome position (GRCh38, 1-based): chr1:77,929,307, T>C. VCF-style: chr1-77929307-T-C. GRCh37 (hg19) VCF-style: chr1-78394992-T-C.
Other names: c.673-9T>C (NM_001172309.2).
Identifiers: ClinVar variation 695265 (VCV000695265.15), dbSNP rs182083204, ClinGen allele CA918769.